The following is an entry in ClinVar:

NM_001211.6(BUB1B):c.2708A>G (p.Asn903Ser)

Genes: BUB1B (BUB1 mitotic checkpoint serine/threonine kinase B; plus strand), BUB1B-PAK6 (BUB1B-PAK6 readthrough; plus strand). Cytogenetic location: 15q15.1.
Variant type: single nucleotide variant.
Coding change: c.2708A>G on transcript NM_001211.6 (MANE Select); coding-DNA position 2708, A replaced by G.
Protein change: p.Asn903Ser; replaces asparagine 903 with serine.
Molecular consequence: missense variant. On other transcripts: 5 prime UTR variant (2).
Genome position (GRCh38, 1-based): chr15:40,217,525, A>G. VCF-style: chr15-40217525-A-G. GRCh37 (hg19) VCF-style: chr15-40509726-A-G.
Other names: c.-343A>G (NM_001128628.3); c.-260A>G (NM_001128629.3); short protein forms N903S.
Identifiers: ClinVar variation 1795006 (VCV001795006.7), dbSNP rs1595538965, ClinGen allele CA391687507.
Genomic context (GRCh38, chr15:40,217,525, plus strand): 5'-TATTATCTCCTTCTCTTAAATCTGGGCTCAGAATCCACGATCCCTATGATTGTAACAAGA[A>G]CAATCAAGCTTTGAAGATAGTGGACTTTTCCTACAGTGTTGACCTTAGGGTGCAGCTGGA-3'
Protein context (NP_001202.5, residues 893-913): RIHDPYDCNK[Asn903Ser]NQALKIVDFS

ClinVar aggregate classification (germline): Uncertain significance. Review status: criteria provided, multiple submitters, no conflicts (2 of 4 stars). 2 submissions from 2 submitters: Uncertain significance (2). Last evaluated 2022-02-18.

Conditions:
Mosaic variegated aneuploidy syndrome 1 (MVA1). Also called: Warburton-Anyane-Yeboa syndrome. Identifiers: Orphanet 1052, MedGen C1850343, MONDO:0009759, OMIM 257300.
Inborn genetic diseases. Identifiers: MedGen C0950123, MeSH D030342.

Submissions (2):

Labcorp Genetics (formerly Invitae), Labcorp
Classification: Uncertain significance for Mosaic variegated aneuploidy syndrome 1. Last evaluated: 2022-02-18. Review status: criteria provided, single submitter. Criteria: Invitae Variant Classification Sherloc (09022015). Collection method: clinical testing. Allele origin: germline.
Comment: This variant has not been reported in the literature in individuals affected with BUB1B-related conditions. Algorithms developed to predict the effect of missense changes on protein structure and function (SIFT, PolyPhen-2, Align-GVGD) all suggest that this variant is likely to be tolerated. In summary, the available evidence is currently insufficient to determine the role of this variant in disease. Therefore, it has been classified as a Variant of Uncertain Significance. This variant is not present in population databases (gnomAD no frequency). This sequence change replaces asparagine, which is neutral and polar, with serine, which is neutral and polar, at codon 903 of the BUB1B protein (p.Asn903Ser).

Ambry Genetics
Classification: Uncertain significance for Inborn genetic diseases. Last evaluated: 2021-06-22. Review status: criteria provided, single submitter. Criteria: Ambry Variant Classification Scheme 2023. Collection method: clinical testing. Allele origin: germline.
Comment: The p.N903S variant (also known as c.2708A>G), located in coding exon 21 of the BUB1B gene, results from an A to G substitution at nucleotide position 2708. The asparagine at codon 903 is replaced by serine, an amino acid with highly similar properties. This amino acid position is conserved. In addition, this alteration is predicted to be tolerated by in silico analysis. Since supporting evidence is limited at this time, the clinical significance of this alteration remains unclear.